The following is an entry in ClinVar:

NM_018896.5(CACNA1G):c.2478G>C (p.Gln826His)

Gene: CACNA1G (calcium voltage-gated channel subunit alpha1 G; plus strand). Cytogenetic location: 17q21.33.
Variant type: single nucleotide variant.
Coding change: c.2478G>C on transcript NM_018896.5 (MANE Select); coding-DNA position 2478, G replaced by C.
Protein change: p.Gln826His; replaces glutamine 826 with histidine.
Molecular consequence: missense variant. On other transcripts: non-coding transcript variant (5).
Genome position (GRCh38, 1-based): chr17:50,591,459, G>C. VCF-style: chr17-50591459-G-C. GRCh37 (hg19) VCF-style: chr17-48668820-G-C.
Other names: c.2478G>C, p.Gln826His (NM_001256324.2, NM_001256325.2, NM_001256326.2 and 24 more transcripts); c.2478G>C (NM_018896.4); short protein forms Q826H.
Identifiers: ClinVar variation 2234986 (VCV002234986.3), dbSNP rs761607823, ClinGen allele CA400248211.

ClinVar aggregate classification (germline): Uncertain significance. Review status: criteria provided, multiple submitters, no conflicts (2 of 4 stars). 3 submissions from 3 submitters: Uncertain significance (3). Last evaluated 2026-03-24.

Conditions:
Inborn genetic diseases. Identifiers: MedGen C0950123, MeSH D030342.
Spinocerebellar ataxia 42, early-onset, severe, with neurodevelopmental deficits. Identifiers: MedGen C4748120, MONDO:0060758, OMIM 618087.

Submissions (3):

Institute of Human Genetics, University of Leipzig Medical Center
Classification: Uncertain significance for Spinocerebellar ataxia 42, early-onset, severe, with neurodevelopmental deficits. Last evaluated: 2026-03-24. Review status: criteria provided, single submitter. Criteria: ACMG Guidelines, 2015. Collection method: clinical testing. Allele origin: unknown. Inheritance: Autosomal dominant inheritance. Affected: yes.
Comment: Criteria applied: PM2,PM1_SUP,PP2,PP3

GeneDx
Classification: Uncertain significance. Last evaluated: 2025-05-01. Review status: criteria provided, single submitter. Criteria: GeneDx Variant Classification Process June 2021. Collection method: clinical testing. Allele origin: germline. Affected: yes.
Comment: Not observed at significant frequency in large population cohorts (gnomAD); In silico analysis supports that this missense variant has a deleterious effect on protein structure/function; Has not been previously published as pathogenic or benign to our knowledge

Ambry Genetics
Classification: Uncertain significance for Inborn genetic diseases. Last evaluated: 2021-07-06. Review status: criteria provided, single submitter. Criteria: Ambry Variant Classification Scheme 2023. Collection method: clinical testing. Allele origin: germline.